The following is an entry in ClinVar:

NM_001323289.2(CDKL5):c.1909del (p.Ala637fs)

Gene: CDKL5 (cyclin dependent kinase like 5; plus strand). Cytogenetic location: Xp22.13.
Variant type: Deletion.
Coding change: c.1909del on transcript NM_001323289.2 (MANE Select); coding-DNA position 1909, one base deleted (G; older notation c.1909delG).
Protein change: p.Ala637fs; shifts the reading frame from alanine 637.
Molecular consequence: frameshift variant.
Genome position (GRCh38, 1-based): chrX:18,604,833, G deleted. VCF-style (leftmost placement, unchanged base first): chrX-18604832-AG-A. GRCh37 (hg19) VCF-style: chrX-18622952-AG-A.
Other names: c.1909del, p.Ala637fs (NM_001037343.2, NM_003159.3); c.1909delG (NM_003159.2); short protein forms A637fs.
Identifiers: ClinVar variation 156646 (VCV000156646.1), dbSNP rs587783118, ClinGen allele CA294684.

ClinVar aggregate classification (germline): Pathogenic (1 of 4 stars; one submission).

Submission:

GeneDx
Classification: Pathogenic. Last evaluated: 2013-07-18. Review status: criteria provided, single submitter. Criteria: GeneDx Variant Classification (06012015). Collection method: clinical testing. Allele origin: germline. Affected: yes.
Comment: The c.1909delG mutation in the CDKL5 gene causes a frameshift starting with codon Alanine 637, changes this amino acid to a Leucine residue and creates a premature Stop codon at position 21 of the new reading frame, denoted p.Ala637LeufsX21. This mutation is predicted to cause loss of normal function either through protein truncation or nonsense-mediated mRNA decay. Although this mutation has not been reported previously to our knowledge, other frameshift mutations have been reported in CDKL5 in association with epilepsy. The variant is found in INFANT-EPI panel(s).